The following is an entry in ClinVar:

ClinVar aggregate classification (germline): Pathogenic/Likely pathogenic. Review status: criteria provided, multiple submitters, no conflicts (2 of 4 stars). 5 submissions from 5 submitters: Pathogenic (3); Likely pathogenic (1). 1 of the submissions does not count toward it. Last evaluated 2026-01-12.

Conditions:
Inherited breast cancer and ovarian cancer.
Familial cancer of breast. Also called: hereditary breast carcinoma; Hereditary breast cancer; BREAST CANCER, FAMILIAL. Identifiers: Orphanet 227535, MedGen C0346153, MONDO:0016419, OMIM 114480. Disease mechanism: loss of function.

gnomAD v4.1: 1 of 1,612,434 alleles (0.000062%); highest among the groups gnomAD compares: South Asian, 0.0011%; no homozygotes.

Submissions (5):

Genetics Laboratory, Great Ormond Street Hospital NHS Foundation Trust, North Thames Genomic Laboratory Hub
Classification: Pathogenic for Inherited breast cancer and ovarian cancer. Last evaluated: 2026-01-12. Review status: criteria provided, single submitter. Criteria: CanVIG PALB2 Gene Specific V1.2. Collection method: clinical testing. Allele origin: germline. Affected: yes.
Comment: PM2_supporting, PVS1_very-strong, PM5_supporting

GeneDx
Classification: Pathogenic. Last evaluated: 2025-04-09. Review status: criteria provided, single submitter. Criteria: GeneDx Variant Classification Process June 2021. Collection method: clinical testing. Allele origin: germline. Affected: yes.
Comment: Nonsense variant predicted to result in protein truncation or nonsense mediated decay in a gene for which loss of function is a known mechanism of disease; Not observed at significant frequency in large population cohorts (gnomAD); Truncating variants in this gene are considered pathogenic by a well-established clinical consortium and/or database; This variant is associated with the following publications: (PMID: 35901820, 37937776)

Labcorp Genetics (formerly Invitae), Labcorp
Classification: Pathogenic for Familial cancer of breast. Last evaluated: 2025-01-17. Review status: criteria provided, single submitter. Criteria: Invitae Variant Classification Sherloc (09022015). Collection method: clinical testing. Allele origin: germline.
Comment: This sequence change creates a premature translational stop signal (p.Gln125*) in the PALB2 gene. It is expected to result in an absent or disrupted protein product. Loss-of-function variants in PALB2 are known to be pathogenic (PMID: 17200668, 17200671, 17200672, 24136930, 25099575). This variant is not present in population databases (gnomAD no frequency). This premature translational stop signal has been observed in individual(s) with PALB2-related conditions (PMID: 37937776). ClinVar contains an entry for this variant (Variation ID: 2574092). For these reasons, this variant has been classified as Pathogenic.

Baylor Genetics
Classification: Likely pathogenic for Familial cancer of breast. Last evaluated: 2024-02-26. Review status: criteria provided, single submitter. Criteria: ACMG Guidelines, 2015. Collection method: clinical testing. Allele origin: unknown.

deCODE genetics, Amgen
Classification: Likely pathogenic for Familial cancer of breast. Last evaluated: 2023-07-21. Review status: no assertion criteria provided. Collection method: research. Allele origin: germline. Affected: yes. Observed: 1 variant allele. Not counted in ClinVar's aggregate classification.
Comment: The variant NM_024675.4:c.373C>T (chr16:23636173) in PALB2 was detected in 1 heterozygote out of 58K WGS Icelanders (MAF= 0,001%). This variant has not been reported in ClinVar previously. Based on ACMG criteria (PVS1, PM2) this variant classifies as likely pathogenic.

Literature cited by the submitters: PubMed 17200668 (cited by Labcorp Genetics (formerly Invitae), Labcorp); PubMed 17200671 (cited by Labcorp Genetics (formerly Invitae), Labcorp); PubMed 17200672 (cited by Labcorp Genetics (formerly Invitae), Labcorp); PubMed 24136930 (cited by Labcorp Genetics (formerly Invitae), Labcorp); PubMed 25099575 (cited by Labcorp Genetics (formerly Invitae), Labcorp); PubMed 37937776 (cited by Labcorp Genetics (formerly Invitae), Labcorp).

NM_024675.4(PALB2):c.373C>T (p.Gln125Ter)

Gene: PALB2 (partner and localizer of BRCA2; minus strand). Cytogenetic location: 16p12.2.
Variant type: single nucleotide variant.
Coding change: c.373C>T on transcript NM_024675.4 (MANE Select); coding-DNA position 373, C replaced by T.
Protein change: p.Gln125Ter; replaces glutamine 125 with a stop codon.
Molecular consequence: nonsense. On other transcripts: 5 prime UTR variant (8), intron variant (3).
Genome position (GRCh38, 1-based): chr16:23,636,173, G>A on the plus strand (C>T on the coding strand, the complement: PALB2 is on the minus strand). VCF-style: chr16-23636173-G-A. GRCh37 (hg19) VCF-style: chr16-23647494-G-A.
Other names: c.313C>T, p.Gln105Ter (NM_001407296.1); c.373C>T, p.Gln125Ter (NM_001407297.1, NM_001407298.1, NM_001407299.1 and 3 more transcripts); c.-513C>T (NM_001407304.1, NM_001407305.1, NM_001407306.1 and 5 more transcripts); c.48+4937C>T (NM_001407314.1); c.-105+4937C>T (NM_001407313.1, NM_001407312.1); short protein forms Q105*, Q125*.
Identifiers: ClinVar variation 2574092 (VCV002574092.7), dbSNP rs2142444897, ClinGen allele CA395137513.